The following is an entry in ClinVar:

ClinVar aggregate classification (germline): Likely benign (1 of 4 stars; one submission).

Allele frequency attached by ClinVar (database versions not stated): TOPMed 0.00001.

Submission:

GeneDx
Classification: Likely benign. Last evaluated: 2018-01-10. Review status: criteria provided, single submitter. Criteria: GeneDx Variant Classification (06012015). Collection method: clinical testing. Allele origin: germline. Affected: yes.
Comment: This variant is considered likely benign or benign based on one or more of the following criteria: it is a conservative change, it occurs at a poorly conserved position in the protein, it is predicted to be benign by multiple in silico algorithms, and/or has population frequency not consistent with disease.

NM_000244.4(MEN1):c.-32G>C

Gene: MEN1 (menin 1; minus strand). Cytogenetic location: 11q13.1.
Variant type: single nucleotide variant.
Coding change: c.-32G>C on transcript NM_000244.4; 32 bases upstream of the start codon, G replaced by C.
Molecular consequence: 5 prime UTR variant. On other transcripts: intron variant (2).
Genome position (GRCh38, 1-based): chr11:64,810,638, C>G on the plus strand (G>C on the coding strand, the complement: MEN1 is on the minus strand). VCF-style: chr11-64810638-C-G. GRCh37 (hg19) VCF-style: chr11-64578110-C-G.
Other names: c.-32G>C (NM_001407144.1, NM_001407148.1, NM_130799.3); c.-24+176G>C (NM_130804.3, NM_130803.3).
Identifiers: ClinVar variation 514531 (VCV000514531.3), dbSNP rs1021174779, ClinGen allele CA658797669.
Genomic context (GRCh38, chr11:64,810,638, plus strand): 5'-AGTCCCGCCCCTAGGGTCGCACTACCCGCCGGGAAGTGGAGTCTGGGCCCACCCCTGCCC[C>G]GCTGAGCCTGGAAATAGTGGCGGGCCGGGCCGCTGCGCTGTGGCTTCTGGGATCTCTAGG-3'